The following is an entry in ClinVar:

NM_006045.3(ATP9A):c.1043_1044inv (p.Arg348His)

Gene: ATP9A (ATPase phospholipid transporting 9A (putative); minus strand). Cytogenetic location: 20q13.2.
Variant type: Inversion.
Coding change: c.1043_1044inv on transcript NM_006045.3 (MANE Select).
Protein change: p.Arg348His; replaces arginine 348 with histidine.
Molecular consequence: missense variant.
Genome position: GRCh38 VCF-style: chr20-51671251-AC-GT. GRCh37 (hg19) VCF-style: chr20-50287790-AC-GT.
Other names: short protein forms R348H.
Identifiers: ClinVar variation 4282267 (VCV004282267.1).

ClinVar aggregate classification (germline): Uncertain significance (1 of 4 stars; one submission).

Submission:

GeneDx
Classification: Uncertain significance. Last evaluated: 2025-04-17. Review status: criteria provided, single submitter. Criteria: GeneDx Variant Classification Process June 2021. Collection method: clinical testing. Allele origin: germline. Affected: yes.
Comment: In silico analysis supports a deleterious effect on protein structure/function; Has not been previously published as pathogenic or benign to our knowledge